The following is an entry in ClinVar:

ClinVar aggregate classification (germline): Likely pathogenic (1 of 4 stars; one submission).

Conditions:
Autosomal recessive limb-girdle muscular dystrophy type 2J (LGMDR10). Also called: Limb-girdle muscular dystrophy, type 2J; MUSCULAR DYSTROPHY, LIMB-GIRDLE, AUTOSOMAL RECESSIVE 10. Identifiers: Orphanet 140922, MedGen C1837342, MONDO:0012127, OMIM 608807.
Dilated cardiomyopathy 1G (CMD1G). Identifiers: Orphanet 154, MedGen C1858763, MONDO:0011400, OMIM 604145.

Submission:

Labcorp Genetics (formerly Invitae), Labcorp
Classification: Likely pathogenic for Dilated cardiomyopathy 1G; Autosomal recessive limb-girdle muscular dystrophy type 2J. Last evaluated: 2025-01-08. Review status: criteria provided, single submitter. Criteria: Invitae Variant Classification Sherloc (09022015). Collection method: clinical testing. Allele origin: germline.
Comment: This sequence change creates a premature translational stop signal (p.Thr13648Aspfs*23) in the TTN gene. While this is not anticipated to result in nonsense mediated decay, it is expected to create a truncated TTN protein. This variant is not present in population databases (gnomAD no frequency). This variant has not been observed in the literature in individuals with autosomal recessive TTN-related conditions. This variant has been reported in individual(s) with autosomal dominant nonischemic dilated cardiomyopathy (internal data); however, the role of the variant in this condition is currently unclear. ClinVar contains an entry for this variant (Variation ID: 2954063). This variant is located in the I band of TTN (PMID: 25589632). Truncating variants in this region have been reported in individuals affected with autosomal recessive centronuclear myopathy (PMID: 23975875, internal data). Truncating variants in this region have also been identified in individuals affected with autosomal dominant dilated cardiomyopathy and/or cardio-related conditions (PMID: 27869827, 32964742, internal data). In summary, the currently available evidence indicates that the variant is pathogenic, but additional data are needed to prove that conclusively. Therefore, this variant has been classified as Likely Pathogenic.

Literature cited by the submitters: PubMed 25589632; PubMed 23975875; PubMed 27869827; PubMed 32964742.

NM_001267550.2(TTN):c.40940dup (p.Thr13648fs)

Gene: TTN (titin; minus strand). Cytogenetic location: 2q31.2.
Variant type: Duplication.
Coding change: c.40940dup on transcript NM_001267550.2 (MANE Select); coding-DNA position 40940, one base duplicated (A; older notation c.40940dupA).
Protein change: p.Thr13648fs; shifts the reading frame from threonine 13648.
Molecular consequence: frameshift variant.
Genome position (GRCh38, 1-based): chr2:178,636,787, T duplicated on the plus strand (A on the coding strand, the reverse complement: TTN is on the minus strand); the first of 5 consecutive T bases (chr2:178,636,787-178,636,791); duplicating any one gives the same sequence. VCF-style (leftmost placement, unchanged base first): chr2-178636786-C-CT. GRCh37 (hg19) VCF-style: chr2-179501513-C-CT.
Other names: c.36017dup, p.Thr12007fs (NM_001256850.1); c.13745dup, p.Thr4583fs (NM_003319.4); c.33236dup, p.Thr11080fs (NM_133378.4); c.14120dup, p.Thr4708fs (NM_133432.3); c.14321dup, p.Thr4775fs (NM_133437.4); short protein forms T13648fs, T4583fs, T4708fs, T11080fs, T12007fs, T4775fs.
Identifiers: ClinVar variation 2954063 (VCV002954063.3), dbSNP rs2154231664, ClinGen allele CA2740096169.